The following is an entry in ClinVar:

NM_001366145.2(TRPM3):c.5053T>C (p.Phe1685Leu)

Genes: KLF9-DT (KLF9 divergent transcript; plus strand), TRPM3 (transient receptor potential cation channel subfamily M member 3; minus strand). Cytogenetic location: 9q21.12.
Variant type: single nucleotide variant.
Coding change: c.5053T>C on transcript NM_001366145.2 (MANE Select); coding-DNA position 5053, T replaced by C.
Protein change: p.Phe1685Leu; replaces phenylalanine 1685 with leucine.
Molecular consequence: missense variant. On other transcripts: intron variant (8).
Genome position (GRCh38, 1-based): chr9:70,536,060, A>G on the plus strand (T>C on the coding strand, the complement: TRPM3 is on the minus strand). VCF-style: chr9-70536060-A-G. GRCh37 (hg19) VCF-style: chr9-73150976-A-G.
Other names: c.5017T>C, p.Phe1673Leu (NM_001007471.4); c.5023T>C, p.Phe1675Leu (NM_001366141.2, NM_001366149.2); c.5128T>C, p.Phe1710Leu (NM_001366147.2); c.4558T>C, p.Phe1520Leu (NM_020952.6); c.4594T>C, p.Phe1532Leu (NM_024971.7); c.4528T>C, p.Phe1510Leu (NM_206944.5); c.4564T>C, p.Phe1522Leu (NM_206945.5); c.4633T>C, p.Phe1545Leu (NM_206946.5); and 9 more; short protein forms F1510L, F1520L, F1522L, F1532L, F1535L, F1545L, F1673L, F1675L.
Identifiers: ClinVar variation 4538612 (VCV004538612.1).
Genomic context (GRCh38, chr9:70,536,060, plus strand): 5'-GTCTCCTCATGGACAGGCTGTCCCCTCGGCCCTCCGGCTTGGAGGACTTGCTTCTCTGGA[A>G]GGGATTTCGCAGGCTTGCTGTGTTCCGCTGCCTGTCGAGTTTGTCACTGATGGAGAAGCT-3'
Protein context (NP_001353074.1, residues 1675-1695): QRNTASLRNP[Phe1685Leu]QRSKSSKPEG

ClinVar aggregate classification (germline): Uncertain significance (1 of 4 stars; one submission).

Submission:

GeneDx
Classification: Uncertain significance. Last evaluated: 2025-06-21. Review status: criteria provided, single submitter. Criteria: GeneDx Variant Classification Process June 2021. Collection method: clinical testing. Allele origin: germline. Affected: yes.
Comment: Not observed at significant frequency in large population cohorts (gnomAD); In silico analysis suggests that this missense variant does not alter protein structure/function; Has not been previously published as pathogenic or benign to our knowledge